The following is an entry in ClinVar:

NM_001040108.2(MLH3):c.2789C>A (p.Thr930Lys)

Gene: MLH3 (mutL homolog 3; minus strand). Cytogenetic location: 14q24.3.
Variant type: single nucleotide variant.
Coding change: c.2789C>A on transcript NM_001040108.2 (MANE Select); coding-DNA position 2789, C replaced by A.
Protein change: p.Thr930Lys; replaces threonine 930 with lysine.
Molecular consequence: missense variant.
Genome position (GRCh38, 1-based): chr14:75,046,867, G>T on the plus strand (C>A on the coding strand, the complement: MLH3 is on the minus strand). VCF-style: chr14-75046867-G-T. GRCh37 (hg19) VCF-style: chr14-75513570-G-T.
Other names: c.2789C>A, p.Thr930Lys (NM_014381.3); short protein forms T930K.
Identifiers: ClinVar variation 1796006 (VCV001796006.2), dbSNP rs769727063, ClinGen allele CA390438503.
Genomic context (GRCh38, chr14:75,046,867, plus strand): 5'-TTTTTATTAAAGGAATTATCCTGTGTGGCAGAATCTGATGTTGGGATGACACCATTCTCT[G>T]TTTTTTCATGCTTGTTGTTAAATAACATACAAAAATCTTGTGTTAACACACTGCACAACT-3'
Protein context (NP_001035197.1, residues 920-940): CMLFNNKHEK[Thr930Lys]ENGVIPTSDS

ClinVar aggregate classification (germline): Uncertain significance (1 of 4 stars; one submission).

Submission:

Ambry Genetics
Classification: Uncertain significance. Last evaluated: 2021-12-22. Review status: criteria provided, single submitter. Criteria: Ambry Variant Classification Scheme 2023. Collection method: clinical testing. Allele origin: germline.
Comment: The p.T930K variant (also known as c.2789C>A), located in coding exon 1 of the MLH3 gene, results from a C to A substitution at nucleotide position 2789. The threonine at codon 930 is replaced by lysine, an amino acid with similar properties. This amino acid position is conserved. In addition, this alteration is predicted to be tolerated by in silico analysis. Since supporting evidence is limited at this time, the clinical significance of this alteration remains unclear.